The following is an entry in ClinVar:

ClinVar aggregate classification (germline): Uncertain significance (1 of 4 stars; one submission).

Conditions:
Inborn genetic diseases. Identifiers: MedGen C0950123, MeSH D030342.

Submission:

Ambry Genetics
Classification: Uncertain significance for Inborn genetic diseases. Last evaluated: 2026-07-13. Review status: criteria provided, single submitter. Criteria: Ambry Variant Classification Scheme 2023. Collection method: clinical testing. Allele origin: germline.
Comment: The p.V379L variant (also known as c.1135G>T), located in coding exon 7 of the WT1 gene, results from a G to T substitution at nucleotide position 1135. The valine at codon 379 is replaced by leucine, an amino acid with highly similar properties. This amino acid position is well conserved in available vertebrate species. In addition, the in silico prediction for this alteration is inconclusive. Based on the available evidence, the clinical significance of this variant remains unclear.

NM_024426.6(WT1):c.1150G>T (p.Val384Leu)

Gene: WT1 (WT1 transcription factor; minus strand). Cytogenetic location: 11p13.
Variant type: single nucleotide variant.
Coding change: c.1150G>T on transcript NM_024426.6 (MANE Select); coding-DNA position 1150, G replaced by T.
Protein change: p.Val384Leu; replaces valine 384 with leucine.
Molecular consequence: missense variant. On other transcripts: non-coding transcript variant (2), 5 prime UTR variant (1).
Genome position (GRCh38, 1-based): chr11:32,396,371, C>A on the plus strand (G>T on the coding strand, the complement: WT1 is on the minus strand). VCF-style: chr11-32396371-C-A. GRCh37 (hg19) VCF-style: chr11-32417917-C-A.
Other names: c.1150G>T, p.Val384Leu (NM_001407046.1, NM_024424.5); c.1027G>T, p.Val343Leu (NM_001407047.1); c.1099G>T, p.Val367Leu (NM_001407048.1, NM_001407049.1, NM_000378.6 and 1 more transcripts); c.976G>T, p.Val326Leu (NM_001407050.1); c.388G>T, p.Val130Leu (NM_001407051.1); c.931G>T, p.Val311Leu (NM_001429031.1, NM_001429032.1); c.880G>T, p.Val294Leu (NM_001429033.1, NM_001429034.1); c.499G>T, p.Val167Leu (NM_001198551.2); and 3 more; short protein forms V294L, V311L, V150L, V326L, V379L, V167L, V384L, V130L.
Identifiers: ClinVar variation 5032046 (VCV005032046.1).
Genomic context (GRCh38, chr11:32,396,371, plus strand): 5'-TGCAGCCTGGGTAAGCACACATGAAGGGGCGTTTCTCACTGGTCTCAGATGCCGACCGTA[C>A]AAGAGTCGGGGCTACTCCAGGCACACGTCGCACATCCTGCAGGCAGAGAGTAAGAGGAAG-3'
Protein context (NP_077744.4, residues 374-394): RRVPGVAPTL[Val384Leu]RSASETSEKR